The following is an entry in ClinVar:

ClinVar aggregate classification (germline): Uncertain significance (1 of 4 stars; one submission).

gnomAD v4.1: 2 of 1,578,940 alleles (0.00013%); highest among the groups gnomAD compares: South Asian, 0.0011%; no homozygotes.

Submission:

CeGaT Center for Human Genetics Tuebingen
Classification: Uncertain significance. Last evaluated: 2026-09-01. Review status: criteria provided, single submitter. Criteria: CeGaT Center For Human Genetics Tuebingen Variant Classification Criteria Version 2. Collection method: clinical testing. Allele origin: germline. Affected: yes. Observed: 1 variant allele.
Comment: SYNE1: PM2

NM_182961.4(SYNE1):c.1637T>C (p.Phe546Ser)

Gene: SYNE1 (spectrin repeat containing nuclear envelope protein 1; minus strand). Cytogenetic location: 6q25.2.
Variant type: single nucleotide variant.
Coding change: c.1637T>C on transcript NM_182961.4 (MANE Select); coding-DNA position 1637, T replaced by C.
Protein change: p.Phe546Ser; replaces phenylalanine 546 with serine.
Molecular consequence: missense variant.
Genome position (GRCh38, 1-based): chr6:152,466,074, A>G on the plus strand (T>C on the coding strand, the complement: SYNE1 is on the minus strand). VCF-style: chr6-152466074-A-G. GRCh37 (hg19) VCF-style: chr6-152787209-A-G.
Other names: c.1658T>C, p.Phe553Ser (NM_033071.5); short protein forms F546S, F553S.
Identifiers: ClinVar variation 5041669 (VCV005041669.1).
Genomic context (GRCh38, chr6:152,466,074, plus strand): 5'-GTCTGTTTCAAGATCTGGTATGTCACCTCATATTGTTCAAAGAACTTGCTATTTTCTATA[A>G]AAGACTAGAAAAGGAGGAATGGTTAGAAGATAGCAAACATTAGGCTCATGTAGAATGCCA-3'
Protein context (NP_892006.3, residues 536-556): VEQLLQNYVS[Phe546Ser]IENSKFFEQY